The following is an entry in ClinVar:

NM_001365480.1(CCDC88A):c.4408C>G (p.Pro1470Ala)

Gene: CCDC88A (coiled-coil and HOOK domain protein 88A; minus strand). Cytogenetic location: 2p16.1.
Variant type: single nucleotide variant.
Coding change: c.4408C>G on transcript NM_001365480.1 (MANE Select); coding-DNA position 4408, C replaced by G.
Protein change: p.Pro1470Ala; replaces proline 1470 with alanine.
Molecular consequence: missense variant. On other transcripts: intron variant (1).
Genome position (GRCh38, 1-based): chr2:55,303,132, G>C on the plus strand (C>G on the coding strand, the complement: CCDC88A is on the minus strand). VCF-style: chr2-55303132-G-C. GRCh37 (hg19) VCF-style: chr2-55530268-G-C.
Other names: c.4388-1060C>G (NM_018084.5); c.4405C>G, p.Pro1469Ala (NM_001135597.2, NM_001254943.2); c.4405C>G (NM_001135597.1); short protein forms P1469A, P1470A.
Identifiers: ClinVar variation 1910253 (VCV001910253.6), dbSNP rs2544730775, ClinGen allele CA346914180.

ClinVar aggregate classification (germline): Uncertain significance. Review status: criteria provided, multiple submitters, no conflicts (2 of 4 stars). 2 submissions from 2 submitters: Uncertain significance (2). Last evaluated 2024-11-10.

gnomAD v4.1: 18 of 1,551,024 alleles (0.0012%); highest among the groups gnomAD compares: Non-Finnish European, 0.0016%; no homozygotes.

Submissions (2):

Ambry Genetics
Classification: Uncertain significance. Last evaluated: 2024-11-10. Review status: criteria provided, single submitter. Criteria: Ambry Variant Classification Scheme 2023. Collection method: clinical testing. Allele origin: germline.

Labcorp Genetics (formerly Invitae), Labcorp
Classification: Uncertain significance. Last evaluated: 2022-01-31. Review status: criteria provided, single submitter. Criteria: Invitae Variant Classification Sherloc (09022015). Collection method: clinical testing. Allele origin: germline.
Comment: This sequence change replaces proline, which is neutral and non-polar, with alanine, which is neutral and non-polar, at codon 1469 of the CCDC88A protein (p.Pro1469Ala). This variant is not present in population databases (gnomAD no frequency). This variant has not been reported in the literature in individuals affected with CCDC88A-related conditions. Algorithms developed to predict the effect of missense changes on protein structure and function are either unavailable or do not agree on the potential impact of this missense change (SIFT: "Deleterious"; PolyPhen-2: "Probably Damaging"; Align-GVGD: "Class C0"). In summary, the available evidence is currently insufficient to determine the role of this variant in disease. Therefore, it has been classified as a Variant of Uncertain Significance.